The following is an entry in ClinVar:

ClinVar aggregate classification (germline): Uncertain significance. Review status: criteria provided, multiple submitters, no conflicts (2 of 4 stars). 3 submissions from 3 submitters: Uncertain significance (3). Last evaluated 2022-07-07.

Conditions:
Inborn genetic diseases. Identifiers: MedGen C0950123, MeSH D030342.

Allele frequency attached by ClinVar (database versions not stated): gnomAD 0.00001; gnomAD exomes 0.00001 and 0.00003; ExAC 0.00003; TOPMed 0.00003.
gnomAD v4.1: 20 of 1,614,026 alleles (0.0012%); highest among the groups gnomAD compares: Admixed American, 0.013%; no homozygotes.

Submissions (3):

GeneDx
Classification: Uncertain significance. Last evaluated: 2022-07-07. Review status: criteria provided, single submitter. Criteria: GeneDx Variant Classification Process June 2021. Collection method: clinical testing. Allele origin: germline. Affected: yes.
Comment: In silico analysis supports that this missense variant does not alter protein structure/function; Has not been previously published as pathogenic or benign to our knowledge

Labcorp Genetics (formerly Invitae), Labcorp
Classification: Uncertain significance. Last evaluated: 2021-09-17. Review status: criteria provided, single submitter. Criteria: Invitae Variant Classification Sherloc (09022015). Collection method: clinical testing. Allele origin: germline.
Comment: This sequence change replaces arginine with histidine at codon 508 of the BMP1 protein (p.Arg508His). The arginine residue is highly conserved and there is a small physicochemical difference between arginine and histidine. This variant is present in population databases (rs762071697, ExAC 0.02%). This variant has not been reported in the literature in individuals affected with BMP1-related conditions. Algorithms developed to predict the effect of missense changes on protein structure and function are either unavailable or do not agree on the potential impact of this missense change (SIFT: "Deleterious"; PolyPhen-2: "Benign"; Align-GVGD: "Class C25"). In summary, the available evidence is currently insufficient to determine the role of this variant in disease. Therefore, it has been classified as a Variant of Uncertain Significance.

Ambry Genetics
Classification: Uncertain significance for Inborn genetic diseases. Last evaluated: 2021-07-09. Review status: criteria provided, single submitter. Criteria: Ambry Variant Classification Scheme 2023. Collection method: clinical testing. Allele origin: germline.

NM_006129.5(BMP1):c.1523G>A (p.Arg508His)

Genes: BMP1 (bone morphogenetic protein 1; plus strand), LOC113788269 (BRD4-independent group 4 enhancer GRCh37_chr8:22052064-22053263; plus strand). Cytogenetic location: 8p21.3.
Variant type: single nucleotide variant.
Coding change: c.1523G>A on transcript NM_006129.5 (MANE Select); coding-DNA position 1523, G replaced by A.
Protein change: p.Arg508His; replaces arginine 508 with histidine.
Molecular consequence: missense variant. On other transcripts: non-coding transcript variant (2).
Genome position (GRCh38, 1-based): chr8:22,194,803, G>A. VCF-style: chr8-22194803-G-A. GRCh37 (hg19) VCF-style: chr8-22052316-G-A.
Other names: c.1523G>A, p.Arg508His (NM_001199.4); short protein forms R508H.
Identifiers: ClinVar variation 1420391 (VCV001420391.7), dbSNP rs762071697, ClinGen allele CA4664704.